The following is an entry in ClinVar:

ClinVar aggregate classification (germline): Uncertain significance (0 of 4 stars; one submission).

Conditions:
VWF-related disorder. Also called: VWF-related condition; VWF-related disorders.

Submission:

PreventionGenetics, part of Exact Sciences
Classification: Uncertain significance for VWF-related condition. Last evaluated: 2024-02-08. Review status: no assertion criteria provided. Collection method: clinical testing. Allele origin: germline.
Comment: The VWF c.2545T>A variant is predicted to result in the amino acid substitution p.Cys849Ser. To our knowledge, this variant has not been reported in the literature or in a large population database, indicating this variant is rare. At this time, the clinical significance of this variant is uncertain due to the absence of conclusive functional and genetic evidence.

NM_000552.5(VWF):c.2545T>A (p.Cys849Ser)

Gene: VWF (von Willebrand factor; minus strand). Cytogenetic location: 12p13.31.
Variant type: single nucleotide variant.
Coding change: c.2545T>A on transcript NM_000552.5 (MANE Select); coding-DNA position 2545, T replaced by A.
Protein change: p.Cys849Ser; replaces cysteine 849 with serine.
Molecular consequence: missense variant.
Genome position (GRCh38, 1-based): chr12:6,036,389, A>T on the plus strand (T>A on the coding strand, the complement: VWF is on the minus strand). VCF-style: chr12-6036389-A-T. GRCh37 (hg19) VCF-style: chr12-6145555-A-T.
Other names: short protein forms C849S.
Identifiers: ClinVar variation 3061172 (VCV003061172.2), dbSNP rs2497566273, ClinGen allele CA383520275.
Genomic context (GRCh38, chr12:6,036,389, plus strand): 5'-GCACCCTCACTCCACCCGCAGGGCCTGGGTCCCCGGCGCAGCCCCTCACTGAGCCTCACC[A>T]AGTGTTGCAGCCAATCTTCACTGTTTCTCCAGGGGCATACTCCTTGCCCTGATGGAAGCA-3'
Protein context (NP_000543.3, residues 839-859): GETVKIGCNT[Cys849Ser]VCQDRKWNCT